The following is an entry in ClinVar:

ClinVar aggregate classification (germline): Uncertain significance (1 of 4 stars; one submission).

Allele frequency attached by ClinVar (database versions not stated): gnomAD exomes below 0.00001; gnomAD 0.00001.
gnomAD v4.1: 3 of 1,613,644 alleles (0.00019%); highest among the groups gnomAD compares: Non-Finnish European, 0.00025%; no homozygotes.

Submission:

Labcorp Genetics (formerly Invitae), Labcorp
Classification: Uncertain significance. Last evaluated: 2022-12-30. Review status: criteria provided, single submitter. Criteria: Invitae Variant Classification Sherloc (09022015). Collection method: clinical testing. Allele origin: germline.
Comment: In summary, the available evidence is currently insufficient to determine the role of this variant in disease. Therefore, it has been classified as a Variant of Uncertain Significance. Algorithms developed to predict the effect of missense changes on protein structure and function are either unavailable or do not agree on the potential impact of this missense change (SIFT: "Deleterious"; PolyPhen-2: "Probably Damaging"; Align-GVGD: "Class C0"). This variant has not been reported in the literature in individuals affected with RIMS1-related conditions. This variant is not present in population databases (gnomAD no frequency). This sequence change replaces glutamic acid, which is acidic and polar, with glycine, which is neutral and non-polar, at codon 1682 of the RIMS1 protein (p.Glu1682Gly).

NM_014989.7(RIMS1):c.5045A>G (p.Glu1682Gly)

Gene: RIMS1 (regulating synaptic membrane exocytosis 1; plus strand). Cytogenetic location: 6q13.
Variant type: single nucleotide variant.
Coding change: c.5045A>G on transcript NM_014989.7 (MANE Select); coding-DNA position 5045, A replaced by G.
Protein change: p.Glu1682Gly; replaces glutamic acid 1682 with glycine.
Molecular consequence: missense variant.
Genome position (GRCh38, 1-based): chr6:72,400,680, A>G. VCF-style: chr6-72400680-A-G. GRCh37 (hg19) VCF-style: chr6-73110382-A-G.
Other names: c.2420A>G, p.Glu807Gly (NM_001168408.2, NM_001350430.2); c.2249A>G, p.Glu750Gly (NM_001168409.2); c.2447A>G, p.Glu816Gly (NM_001168410.2); c.626A>G, p.Glu209Gly (NM_001168411.2); c.2966A>G, p.Glu989Gly (NM_001350414.2); c.3062A>G, p.Glu1021Gly (NM_001350415.2); c.3011A>G, p.Glu1004Gly (NM_001350416.2); c.2492A>G, p.Glu831Gly (NM_001350417.2); and 54 more; short protein forms E1005G, E1034G, E1066G, E750G, E776G, E892G, E898G, E912G.
Identifiers: ClinVar variation 2789668 (VCV002789668.3), dbSNP rs2098829918, ClinGen allele CA364822195.